The following is an entry in ClinVar:

NM_001352514.2(HLCS):c.586C>T (p.Leu196Phe)

Gene: HLCS (holocarboxylase synthetase; minus strand). Cytogenetic location: 21q22.13.
Variant type: single nucleotide variant.
Coding change: c.586C>T on transcript NM_001352514.2 (MANE Select); coding-DNA position 586, C replaced by T.
Protein change: p.Leu196Phe; replaces leucine 196 with phenylalanine.
Molecular consequence: missense variant. On other transcripts: non-coding transcript variant (2).
Genome position (GRCh38, 1-based): chr21:36,937,300, G>A on the plus strand (C>T on the coding strand, the complement: HLCS is on the minus strand). VCF-style: chr21-36937300-G-A. GRCh37 (hg19) VCF-style: chr21-38309600-G-A.
Other names: c.145C>T (NM_000411.6); c.145C>T, p.Leu49Phe (NM_000411.8, NM_001242784.3, NM_001242785.2 and 4 more transcripts); short protein forms L196F, L49F.
Identifiers: ClinVar variation 2151394 (VCV002151394.3), dbSNP rs755852830, ClinGen allele CA10020729.

ClinVar aggregate classification (germline): Uncertain significance. Review status: criteria provided, multiple submitters, no conflicts (2 of 4 stars). 2 submissions from 2 submitters: Uncertain significance (2). Last evaluated 2025-09-24.

Conditions:
Inborn genetic diseases. Identifiers: MedGen C0950123, MeSH D030342.
Holocarboxylase synthetase deficiency. Also called: MULTIPLE CARBOXYLASE DEFICIENCY, EARLY ONSET. Identifiers: Orphanet 79242, MedGen C0268581, MONDO:0009666, OMIM 253270.

Allele frequency attached by ClinVar (database versions not stated): ExAC 0.00002; TOPMed 0.00002; gnomAD 0.00003.
gnomAD v4.1: 20 of 1,614,046 alleles (0.0012%); highest among the groups gnomAD compares: Middle Eastern, 0.016%; no homozygotes.

Submissions (2):

Ambry Genetics
Classification: Uncertain significance for Inborn genetic diseases. Last evaluated: 2025-09-24. Review status: criteria provided, single submitter. Criteria: Ambry Variant Classification Scheme 2023. Collection method: clinical testing. Allele origin: germline.

Labcorp Genetics (formerly Invitae), Labcorp
Classification: Uncertain significance for Holocarboxylase synthetase deficiency. Last evaluated: 2024-10-26. Review status: criteria provided, single submitter. Criteria: Invitae Variant Classification Sherloc (09022015). Collection method: clinical testing. Allele origin: germline.
Comment: This sequence change replaces leucine, which is neutral and non-polar, with phenylalanine, which is neutral and non-polar, at codon 49 of the HLCS protein (p.Leu49Phe). This variant is present in population databases (rs755852830, gnomAD 0.006%). This variant has not been reported in the literature in individuals affected with HLCS-related conditions. ClinVar contains an entry for this variant (Variation ID: 2151394). Invitae Evidence Modeling of protein sequence and biophysical properties (such as structural, functional, and spatial information, amino acid conservation, physicochemical variation, residue mobility, and thermodynamic stability) indicates that this missense variant is not expected to disrupt HLCS protein function with a negative predictive value of 95%. In summary, the available evidence is currently insufficient to determine the role of this variant in disease. Therefore, it has been classified as a Variant of Uncertain Significance.